The following is an entry in ClinVar:

ClinVar aggregate classification (germline): Uncertain significance (1 of 4 stars; one submission).

Conditions:
Inborn genetic diseases. Identifiers: MedGen C0950123, MeSH D030342.

Submission:

Ambry Genetics
Classification: Uncertain significance for Inborn genetic diseases. Last evaluated: 2025-04-11. Review status: criteria provided, single submitter. Criteria: Ambry Variant Classification Scheme 2023. Collection method: clinical testing. Allele origin: germline.
Comment: The p.Q159L variant (also known as c.476A>T), located in coding exon 4 of the RTEL1 gene, results from an A to T substitution at nucleotide position 476. The glutamine at codon 159 is replaced by leucine, an amino acid with dissimilar properties. This amino acid position is conserved. In addition, the in silico prediction for this alteration is inconclusive. Based on the available evidence, the clinical significance of this variant remains unclear.

NM_001283009.2(RTEL1):c.476A>T (p.Gln159Leu)

Genes: RTEL1 (regulator of telomere elongation helicase 1; plus strand), RTEL1-TNFRSF6B (RTEL1-TNFRSF6B readthrough (NMD candidate); plus strand). Cytogenetic location: 20q13.33.
Variant type: single nucleotide variant.
Coding change: c.476A>T on transcript NM_001283009.2 (MANE Select); coding-DNA position 476, A replaced by T.
Protein change: p.Gln159Leu; replaces glutamine 159 with leucine.
Molecular consequence: missense variant. On other transcripts: non-coding transcript variant (1), 5 prime UTR variant (1).
Genome position (GRCh38, 1-based): chr20:63,662,626, A>T. VCF-style: chr20-63662626-A-T. GRCh37 (hg19) VCF-style: chr20-62293979-A-T.
Other names: c.-194A>T (NM_001283010.1); c.476A>T, p.Gln159Leu (NM_016434.4); c.548A>T, p.Gln183Leu (NM_032957.5); short protein forms Q159L, Q183L.
Identifiers: ClinVar variation 3948317 (VCV003948317.1).